The following is an entry in ClinVar:

ClinVar aggregate classification (germline): Conflicting classifications of pathogenicity. Review status: criteria provided, conflicting classifications (1 of 4 stars). 16 submissions from 16 submitters: Uncertain significance (3); Benign (3); Likely benign (7). 3 of the submissions do not count toward it. Last evaluated 2026-08-24.

Conditions:
SACS-related disorder. Also called: SACS-related condition.
Spastic paraplegia. Identifiers: MedGen C0037772, HP:0001258.
Hereditary spastic paraplegia. Also called: Familial spastic paraparesis. Identifiers: Orphanet 685, MedGen C0037773, MONDO:0019064. Disease mechanism: loss of function.
Charlevoix-Saguenay spastic ataxia (SACS). Also called: AUTOSOMAL RECESSIVE SPASTIC ATAXIA OF CHARLEVOIX-SAGUENAY; Spastic ataxia of Charlevoix-Saguenay; SPASTIC ATAXIA 6, AUTOSOMAL RECESSIVE. Identifiers: Orphanet 98, MedGen C1849140, MONDO:0010041, OMIM 270550.

Allele frequency attached by ClinVar (database versions not stated): TOPMed 0.00128; gnomAD 0.00186 and 0.00197; gnomAD exomes 0.00194 and 0.00198; ESP Exome Variant Server 0.00200; ExAC 0.00212.

Submissions (16):

PreventionGenetics, part of Exact Sciences
Classification: Likely benign for SACS-related condition. Last evaluated: 2026-08-24. Review status: criteria provided, single submitter. Criteria: ACMG Guidelines, 2015. Collection method: clinical testing. Allele origin: germline.
Comment: This variant is classified as likely benign based on ACMG/AMP sequence variant interpretation guidelines (Richards et al. 2015 PMID: 25741868, with internal and published modifications).

CeGaT Center for Human Genetics Tuebingen
Classification: Benign. Last evaluated: 2026-07-01. Review status: criteria provided, single submitter. Criteria: CeGaT Center For Human Genetics Tuebingen Variant Classification Criteria Version 2. Collection method: clinical testing. Allele origin: germline. Affected: yes. Observed: 21 variant alleles.
Comment: SACS: PP3, BS1, BS2

Labcorp Genetics (formerly Invitae), Labcorp
Classification: Likely benign for Spastic paraplegia. Last evaluated: 2026-01-29. Review status: criteria provided, single submitter. Criteria: Invitae Variant Classification Sherloc (09022015). Collection method: clinical testing. Allele origin: germline.

Blueprint Genetics
Classification: Likely benign. Last evaluated: 2024-11-22. Review status: criteria provided, single submitter. Criteria: ACMG Guidelines, 2015. Collection method: clinical testing. Allele origin: germline.

Mayo Clinic Laboratories, Mayo Clinic
Classification: Benign. Last evaluated: 2024-03-12. Review status: criteria provided, single submitter. Criteria: ACMG Guidelines, 2015. Collection method: clinical testing. Allele origin: germline. Observed: 10 variant alleles.
Comment: BS1, BS2

Women's Health and Genetics/Laboratory Corporation of America, LabCorp
Classification: Likely benign. Last evaluated: 2023-02-14. Review status: criteria provided, single submitter. Criteria: LabCorp Variant Classification Summary - May 2015. Collection method: clinical testing. Allele origin: germline.
Comment: Variant summary: SACS c.4076T>C (p.Met1359Thr) results in a non-conservative amino acid change in the encoded protein sequence. Two of four in-silico tools predict a benign effect of the variant on protein function. The variant allele was found at a frequency of 0.0021 in 282066 control chromosomes in the gnomAD database, including 4 homozygotes. c.4076T>C has been reported in the literature in individuals affected with adult-onset sporadic ataxia and four compound heterozygous siblings affected with a milder autosomal recessive spastic ataxia of Charlevoix-Saguenay (Fogel_2012, Palmio_2016, Lipponen_2021). These reports do not provide unequivocal conclusions about association of the variant with Autosomal Recessive Spastic Ataxia Of Charlevoix-Saguenay. To our knowledge, no experimental evidence demonstrating an impact on protein function has been reported. 11 ClinVar submitters (evaluation after 2014) cite this variant as uncertain significance (n=4), likely benign (n=6) and benign (n=1). Based on the evidence outlined above, the variant was classified as likely benign.

Genome-Nilou Lab
Classification: Likely benign for Charlevoix-Saguenay spastic ataxia. Last evaluated: 2021-09-05. Review status: criteria provided, single submitter. Criteria: ACMG Guidelines, 2015. Collection method: clinical testing. Allele origin: germline. Affected: no.

GeneDx
Classification: Likely benign. Last evaluated: 2021-06-04. Review status: criteria provided, single submitter. Criteria: GeneDx Variant Classification Process June 2021. Collection method: clinical testing. Allele origin: germline. Affected: yes.
Comment: This variant is associated with the following publications: (PMID: 27980752)

Genome Diagnostics Laboratory, The Hospital for Sick Children
Classification: Likely benign for Hereditary spastic paraplegia. Last evaluated: 2019-10-01. Review status: criteria provided, single submitter. Criteria: ACMG Guidelines, 2015. Collection method: clinical testing. Allele origin: germline. Affected: yes.

Athena Diagnostics
Classification: Benign. Last evaluated: 2018-11-02. Review status: criteria provided, single submitter. Criteria: Athena Diagnostics Criteria. Collection method: clinical testing. Allele origin: germline.

Fulgent Genetics
Classification: Uncertain significance for Charlevoix-Saguenay spastic ataxia. Last evaluated: 2017-05-23. Review status: criteria provided, single submitter. Criteria: ACMG Guidelines, 2015. Collection method: clinical testing. Allele origin: unknown.

Eurofins Ntd Llc (ga)
Classification: Uncertain significance. Last evaluated: 2015-04-03. Review status: criteria provided, single submitter. Criteria: EGL Classification Definitions 2015. Collection method: clinical testing. Allele origin: germline. Observed: 1 variant allele, 1 heterozygote.

Genetic Services Laboratory, University of Chicago
Classification: Uncertain significance. Last evaluated: 2014-04-04. Review status: criteria provided, single submitter. Criteria: ACMG Guidelines, 2007. Collection method: clinical testing. Allele origin: germline.

Natera, Inc.
Classification: Likely benign for Charlevoix-Saguenay type spastic ataxia. Last evaluated: 2020-12-15. Review status: no assertion criteria provided. Collection method: clinical testing. Allele origin: germline. Not counted in ClinVar's aggregate classification.

Clinical Genetics DNA and cytogenetics Diagnostics Lab, Erasmus MC, Erasmus Medical Center
Classification: Likely benign. Review status: no assertion criteria provided. Collection method: clinical testing. Allele origin: germline. Affected: yes. Study: VKGL Data-share Consensus. Not counted in ClinVar's aggregate classification.

Diagnostic Laboratory, Department of Genetics, University Medical Center Groningen
Classification: Likely benign. Review status: no assertion criteria provided. Collection method: clinical testing. Allele origin: germline. Affected: yes. Study: VKGL Data-share Consensus. Not counted in ClinVar's aggregate classification.

Literature cited by the submitters: PubMed 22287014 (cited by Women's Health and Genetics/Laboratory Corporation of America, LabCorp and Athena Diagnostics); PubMed 34600502 (cited by Women's Health and Genetics/Laboratory Corporation of America, LabCorp); PubMed 27980752 (cited by Women's Health and Genetics/Laboratory Corporation of America, LabCorp and Athena Diagnostics).

NM_014363.6(SACS):c.4076T>C (p.Met1359Thr)

Gene: SACS (sacsin molecular chaperone; minus strand). Cytogenetic location: 13q12.12.
Variant type: single nucleotide variant.
Coding change: c.4076T>C on transcript NM_014363.6 (MANE Select); coding-DNA position 4076, T replaced by C.
Protein change: p.Met1359Thr; replaces methionine 1359 with threonine.
Molecular consequence: missense variant.
Genome position (GRCh38, 1-based): chr13:23,339,800, A>G on the plus strand (T>C on the coding strand, the complement: SACS is on the minus strand). VCF-style: chr13-23339800-A-G. GRCh37 (hg19) VCF-style: chr13-23913939-A-G.
Other names: c.3635T>C, p.Met1212Thr (NM_001278055.2); short protein forms M1359T, M1212T.
Identifiers: ClinVar variation 193706 (VCV000193706.88), dbSNP rs146451611, ClinGen allele CA208864.